The following is an entry in ClinVar:

ClinVar aggregate classification (germline): Conflicting classifications of pathogenicity. Review status: criteria provided, conflicting classifications (1 of 4 stars). 5 submissions from 5 submitters: Likely pathogenic (2); Uncertain significance (2); Likely benign (1). Last evaluated 2026-06-05.

Conditions:
Hypohidrotic X-linked ectodermal dysplasia (XHED). Also called: ECTODERMAL DYSPLASIA, HYPOHIDROTIC, 1; CST SYNDROME; ECTODERMAL DYSPLASIA 1; Christ-Siemans-Touraine syndrome; Ectodermal Dysplasia 1, Anhidrotic; Anhidrotic ectodermal dysplasia X-linked. Identifiers: Orphanet 181, Orphanet 238468, MedGen C0162359, MONDO:0010585, OMIM 305100.

Submissions (5):

Lupski Lab, Baylor-Hopkins CMG, Baylor College of Medicine
Classification: Likely pathogenic for Hypohidrotic X-linked ectodermal dysplasia. Last evaluated: 2026-06-05. Review status: criteria provided, single submitter. Criteria: ACMG Guidelines, 2015. Collection method: research. Allele origin: de novo. Inheritance: X-linked inheritance. Affected: yes. Observed: 1 variant allele, 1 hemizygote.
Comment: This variant is absent in gnomAD (PM2_Supporting=+1pt). We have a minigene assay showing that the splice variant results in loss of amino acids V307 and E308, meaning loss of isoform EDA-A1 (SpliceAI = 0.36) (PS3_Moderate=+2pts). This variant has been reported before in a family with HED (PMID: 18231121). Other variants at this position have been reported before in a family with HED (PMID: 11295832). 7 pts (PS2 +4, PM2 +1, PS3 +2).

Blueprint Genetics
Classification: Uncertain significance. Last evaluated: 2024-07-02. Review status: criteria provided, single submitter. Criteria: ACMG Guidelines, 2015. Collection method: clinical testing. Allele origin: germline.

Genomic Medicine Center of Excellence, King Faisal Specialist Hospital and Research Centre
Classification: Uncertain significance for Hypohidrotic X-linked ectodermal dysplasia. Last evaluated: 2024-03-25. Review status: criteria provided, single submitter. Criteria: ACMG Guidelines, 2015. Collection method: research. Allele origin: germline.

Labcorp Genetics (formerly Invitae), Labcorp
Classification: Likely benign for Hypohidrotic X-linked ectodermal dysplasia. Last evaluated: 2024-02-17. Review status: criteria provided, single submitter. Criteria: Invitae Variant Classification Sherloc (09022015). Collection method: clinical testing. Allele origin: germline.

Victorian Clinical Genetics Services, Murdoch Childrens Research Institute
Classification: Likely pathogenic for Hypohidrotic X-linked ectodermal dysplasia. Last evaluated: 2020-05-21. Review status: criteria provided, single submitter. Criteria: ACMG Guidelines, 2015. Collection method: clinical testing. Allele origin: germline. Affected: yes.
Comment: Based on the classification scheme VCGS_Germline_v1.1.1, this variant is classified as Likely pathogenic. Following criteria are met: 0102 - Loss-of-function is a known mechanism of disease for this gene. (N) 0109 - This gene is known to be associated with X-linked recessive disease. (N) 0110 - This gene is known to be associated with X-linked dominant disease. (N) 0212 - Non-canonical splice variant without proven consequence on splicing (no functional evidence available) (intron 7). (P) 0251 - Variant is heterozygous. (N) 0301 - Variant is absent from gnomAD. (P) 0309 - An alternative nucleotide change at the same position has been observed in gnomAD (2 heterozygotes, 0 homozygotes, 0 hemizygotes). (N) 0508 - In silico predictions for abnormal splicing are conflicting. (N) 0702 - Comparable splice variants, c.924+8 C>G and c.924+5G>A, have strong previous evidence for pathogenicity in patients with X-linked hypohidrotic ectodermal dysplasia (HED) (PMID:25339629; 11279189). (P) 0803 - Low previous evidence of pathogenicity in unrelated individuals. This variant has been reported in a family with HED (PMID:18231121). (P) 0905 - No segregation evidence has been identified for this variant. (N) 1007 - No published functional evidence has been identified for this variant. (N) 1208 - Inheritance information for this variant is not currently available. (N) Legend: (P) - Pathogenic, (N) - Neutral, (B) - Benign

Literature cited by the submitters: PubMed 18231121 (cited by Lupski Lab, Baylor-Hopkins CMG, Baylor College of Medicine and Victorian Clinical Genetics Services, Murdoch Childrens Research Institute); PubMed 11295832 (cited by Lupski Lab, Baylor-Hopkins CMG, Baylor College of Medicine); PubMed 11279189 (cited by Victorian Clinical Genetics Services, Murdoch Childrens Research Institute); PubMed 25339629 (cited by Victorian Clinical Genetics Services, Murdoch Childrens Research Institute).

NM_001399.5(EDA):c.924+8C>A

Gene: EDA (ectodysplasin A; plus strand). Cytogenetic location: Xq13.1.
Variant type: single nucleotide variant.
Coding change: c.924+8C>A on transcript NM_001399.5 (MANE Select); 8 bases into the intron after coding-DNA position 924, C replaced by A.
Molecular consequence: intron variant.
Genome position (GRCh38, 1-based): chrX:70,033,536, C>A. VCF-style: chrX-70033536-C-A. GRCh37 (hg19) VCF-style: chrX-69253386-C-A.
Other names: c.918+14C>A (NM_001005609.2); c.909+14C>A (NM_001005612.3); c.924+8C>A (NM_001399.4).
Identifiers: ClinVar variation 1061132 (VCV001061132.13), dbSNP rs370406516, ClinGen allele CA923726191.